The following is an entry in ClinVar:

ClinVar aggregate classification (germline): Likely pathogenic (1 of 4 stars; one submission).

Submission:

CeGaT Center for Human Genetics Tuebingen
Classification: Likely pathogenic. Last evaluated: 2025-01-01. Review status: criteria provided, single submitter. Criteria: CeGaT Center For Human Genetics Tuebingen Variant Classification Criteria Version 2. Collection method: clinical testing. Allele origin: germline. Affected: yes. Observed: 1 variant allele.
Comment: CP: PM1, PM2, PM5, PM6, PP3

NM_000096.4(CP):c.1678T>C (p.Cys560Arg)

Gene: CP (ceruloplasmin; minus strand). Cytogenetic location: 3q24.
Variant type: single nucleotide variant.
Coding change: c.1678T>C on transcript NM_000096.4 (MANE Select); coding-DNA position 1678, T replaced by C.
Protein change: p.Cys560Arg; replaces cysteine 560 with arginine.
Molecular consequence: missense variant. On other transcripts: non-coding transcript variant (1).
Genome position (GRCh38, 1-based): chr3:149,198,402, A>G on the plus strand (T>C on the coding strand, the complement: CP is on the minus strand). VCF-style: chr3-149198402-A-G. GRCh37 (hg19) VCF-style: chr3-148916189-A-G.
Other names: short protein forms C560R.
Identifiers: ClinVar variation 3772195 (VCV003772195.13).